The following is an entry in ClinVar:

NM_173076.3(ABCA12):c.4614C>T (p.Asp1538=)

Gene: ABCA12 (ATP binding cassette subfamily A member 12; minus strand). Cytogenetic location: 2q35.
Variant type: single nucleotide variant.
Coding change: c.4614C>T on transcript NM_173076.3 (MANE Select); coding-DNA position 4614, C replaced by T.
Protein change: p.Asp1538=; no amino-acid change (aspartic acid 1538 retained).
Molecular consequence: synonymous variant. On other transcripts: non-coding transcript variant (1).
Genome position (GRCh38, 1-based): chr2:214,980,609, G>A on the plus strand (C>T on the coding strand, the complement: ABCA12 is on the minus strand). VCF-style: chr2-214980609-G-A. GRCh37 (hg19) VCF-style: chr2-215845333-G-A.
Other names: c.3660C>T, p.Asp1220= (NM_015657.4).
Identifiers: ClinVar variation 754377 (VCV000754377.8), dbSNP rs540623115, ClinGen allele CA2091433.

ClinVar aggregate classification (germline): Benign. Review status: criteria provided, single submitter (1 of 4 stars). 2 submissions from 2 submitters: Benign (1). 1 of the submissions does not count toward it. Last evaluated 2026-01-28.

Conditions:
ABCA12-related disorder. Also called: ABCA12-related condition.

Allele frequency attached by ClinVar (database versions not stated): gnomAD 0.00003 and 0.00024; TOPMed 0.00007; gnomAD exomes 0.00049 and 0.00095; ExAC 0.00100; 1000 Genomes Project 30x 0.00109; 1000 Genomes Project 0.00120.
gnomAD v4.1: 748 of 1,614,034 alleles (0.046%); highest among the groups gnomAD compares: South Asian, 0.72%; 7 homozygotes.

Submissions (2):

Labcorp Genetics (formerly Invitae), Labcorp
Classification: Benign. Last evaluated: 2026-01-28. Review status: criteria provided, single submitter. Criteria: Invitae Variant Classification Sherloc (09022015). Collection method: clinical testing. Allele origin: germline.

PreventionGenetics, part of Exact Sciences
Classification: Likely benign for ABCA12-related condition. Last evaluated: 2019-05-10. Review status: no assertion criteria provided. Collection method: clinical testing. Allele origin: germline. Not counted in ClinVar's aggregate classification.
Comment: This variant is classified as likely benign based on ACMG/AMP sequence variant interpretation guidelines (Richards et al. 2015 PMID: 25741868, with internal and published modifications).